The following is an entry in ClinVar:

NM_002838.5(PTPRC):c.440-1G>C

Gene: PTPRC (protein tyrosine phosphatase receptor type C; plus strand). Cytogenetic location: 1q32.1.
Variant type: single nucleotide variant.
Coding change: c.440-1G>C on transcript NM_002838.5 (MANE Select); the canonical splice acceptor site of the intron before coding-DNA position 440, G replaced by C.
Molecular consequence: splice acceptor variant. On other transcripts: intron variant (1).
Genome position (GRCh38, 1-based): chr1:198,702,386, G>C. VCF-style: chr1-198702386-G-C. GRCh37 (hg19) VCF-style: chr1-198671515-G-C.
Other names: c.101-912G>C (NM_080921.4).
Identifiers: ClinVar variation 4717436 (VCV004717436.1).

ClinVar aggregate classification (germline): Likely pathogenic (1 of 4 stars; one submission).

Conditions:
Immunodeficiency 104. Also called: Severe combined immunodeficiency, autosomal recessive, T cell-negative, B cell-positive, NK cell-positive; Severe Combined Immune Deficiency, Autosomal Recessive, TCell -Negative, B Cell-Positive, NK Cell-Positive, IL7R-Related; IMMUNODEFICIENCY 104, SEVERE COMBINED; SCID, AUTOSOMAL RECESSIVE, T CELL-NEGATIVE, B CELL-POSITIVE, NK CELL-POSITIVE. Identifiers: MedGen C5676890, MONDO:0012163, OMIM 608971.

Submission:

Labcorp Genetics (formerly Invitae), Labcorp
Classification: Likely pathogenic for Immunodeficiency 104. Last evaluated: 2025-04-13. Review status: criteria provided, single submitter. Criteria: Invitae Variant Classification Sherloc (09022015). Collection method: clinical testing. Allele origin: germline.
Comment: This sequence change affects an acceptor splice site in intron 5 of the PTPRC gene. It is expected to disrupt RNA splicing. Variants that disrupt the donor or acceptor splice site typically lead to a loss of protein function (PMID: 16199547), and loss-of-function variants in PTPRC are known to be pathogenic (PMID: 10700239). This variant is not present in population databases (gnomAD no frequency). This variant has not been reported in the literature in individuals affected with PTPRC-related conditions. Algorithms developed to predict the effect of sequence changes on RNA splicing suggest that this variant may disrupt the consensus splice site. In summary, the currently available evidence indicates that the variant is pathogenic, but additional data are needed to prove that conclusively. Therefore, this variant has been classified as Likely Pathogenic.

Literature cited by the submitters: PubMed 16199547; PubMed 10700239.